The following is an entry in ClinVar:

NM_001374828.1(ARID1B):c.6157C>T (p.Pro2053Ser)

Gene: ARID1B (AT-rich interaction domain 1B; plus strand). Cytogenetic location: 6q25.3.
Variant type: single nucleotide variant.
Coding change: c.6157C>T on transcript NM_001374828.1 (MANE Select); coding-DNA position 6157, C replaced by T.
Protein change: p.Pro2053Ser; replaces proline 2053 with serine.
Molecular consequence: missense variant.
Genome position (GRCh38, 1-based): chr6:157,206,929, C>T. VCF-style: chr6-157206929-C-T. GRCh37 (hg19) VCF-style: chr6-157528063-C-T.
Other names: c.3658C>T, p.Pro1220Ser (NM_001363725.2); c.6037C>T, p.Pro2013Ser (NM_001371656.1, NM_001374820.1); c.5998C>T, p.Pro2000Ser (NM_017519.3); short protein forms P1220S, P2000S, P2013S, P2053S.
Identifiers: ClinVar variation 3251309 (VCV003251309.1), dbSNP rs772262995.

ClinVar aggregate classification (germline): Uncertain significance (1 of 4 stars; one submission).

Allele frequency attached by ClinVar (database versions not stated): gnomAD 0.00001; TOPMed 0.00001.
gnomAD v4.1: 2 of 1,614,042 alleles (0.00012%); highest among the groups gnomAD compares: African/African-American, 0.0027%; no homozygotes.

Submission:

Women's Health and Genetics/Laboratory Corporation of America, LabCorp
Classification: Uncertain significance. Last evaluated: 2024-04-12. Review status: criteria provided, single submitter. Criteria: LabCorp Variant Classification Summary - May 2015. Collection method: clinical testing. Allele origin: germline.
Comment: Variant summary: ARID1B c.6157C>T (p.Pro2053Ser) results in a non-conservative amino acid change in the encoded protein sequence. Two of three in-silico tools predict a damaging effect of the variant on protein function. The variant was absent in 251306 control chromosomes (gnomAD). The available data on variant occurrences in the general population are insufficient to allow any conclusion about variant significance. To our knowledge, no occurrence of c.6157C>T in individuals affected with Coffin-Siris Syndrome 1 and no experimental evidence demonstrating its impact on protein function have been reported. No submitters have cited clinical-significance assessments for this variant to ClinVar. Based on the evidence outlined above, the variant was classified as uncertain significance.